The following is an entry in ClinVar:

ClinVar aggregate classification (germline): Uncertain significance (1 of 4 stars; one submission).

Conditions:
Familial temporal lobe epilepsy 7. Identifiers: Orphanet 101046, MedGen C4225327, MONDO:0014639, OMIM 616436.
Norman-Roberts syndrome (LIS2). Also called: Lissencephaly 2 (Norman-Roberts type). Identifiers: Orphanet 89844, MedGen C0796089, MONDO:0009760, OMIM 257320.

gnomAD v4.1: 1 of 1,607,218 alleles (0.000062%); no homozygotes.

Submission:

Labcorp Genetics (formerly Invitae), Labcorp
Classification: Uncertain significance for Familial temporal lobe epilepsy 7; Norman-Roberts syndrome. Last evaluated: 2022-07-11. Review status: criteria provided, single submitter. Criteria: Invitae Variant Classification Sherloc (09022015). Collection method: clinical testing. Allele origin: germline.
Comment: In summary, the available evidence is currently insufficient to determine the role of this variant in disease. Therefore, it has been classified as a Variant of Uncertain Significance. Algorithms developed to predict the effect of missense changes on protein structure and function are either unavailable or do not agree on the potential impact of this missense change (SIFT: "Deleterious"; PolyPhen-2: "Possibly Damaging"; Align-GVGD: "Class C0"). This variant has not been reported in the literature in individuals affected with RELN-related conditions. This variant is not present in population databases (gnomAD no frequency). This sequence change replaces tyrosine, which is neutral and polar, with serine, which is neutral and polar, at codon 1650 of the RELN protein (p.Tyr1650Ser).

NM_005045.4(RELN):c.4949A>C (p.Tyr1650Ser)

Gene: RELN (reelin; minus strand). Cytogenetic location: 7q22.1.
Variant type: single nucleotide variant.
Coding change: c.4949A>C on transcript NM_005045.4 (MANE Select); coding-DNA position 4949, A replaced by C.
Protein change: p.Tyr1650Ser; replaces tyrosine 1650 with serine.
Molecular consequence: missense variant.
Genome position (GRCh38, 1-based): chr7:103,565,539, T>G on the plus strand (A>C on the coding strand, the complement: RELN is on the minus strand). VCF-style: chr7-103565539-T-G. GRCh37 (hg19) VCF-style: chr7-103205986-T-G.
Other names: c.4949A>C, p.Tyr1650Ser (NM_173054.3); short protein forms Y1650S.
Identifiers: ClinVar variation 1933202 (VCV001933202.5), dbSNP rs2484741582, ClinGen allele CA368746838.